The following is an entry in ClinVar:

NM_000369.5(TSHR):c.1033G>T (p.Asp345Tyr)

Genes: TSHR (thyroid stimulating hormone receptor; plus strand), TSHR-AS1 (TSHR antisense RNA 1; minus strand). Cytogenetic location: 14q31.1.
Variant type: single nucleotide variant.
Coding change: c.1033G>T on transcript NM_000369.5 (MANE Select); coding-DNA position 1033, G replaced by T.
Protein change: p.Asp345Tyr; replaces aspartic acid 345 with tyrosine.
Molecular consequence: missense variant.
Genome position (GRCh38, 1-based): chr14:81,143,091, G>T. VCF-style: chr14-81143091-G-T. GRCh37 (hg19) VCF-style: chr14-81609435-G-T.
Other names: short protein forms D345Y.
Identifiers: ClinVar variation 3360739 (VCV003360739.3).

ClinVar aggregate classification (germline): Uncertain significance. Review status: criteria provided, multiple submitters, no conflicts (2 of 4 stars). 2 submissions from 2 submitters: Uncertain significance (2). Last evaluated 2026-04-10.

Conditions:
Inborn genetic diseases. Identifiers: MedGen C0950123, MeSH D030342.

gnomAD v4.1: 5 of 1,614,136 alleles (0.00031%); highest among the groups gnomAD compares: Non-Finnish European, 0.00042%; no homozygotes.

Submissions (2):

GeneDx
Classification: Uncertain significance. Last evaluated: 2026-04-10. Review status: criteria provided, single submitter. Criteria: GeneDx Variant Classification Process June 2021. Collection method: clinical testing. Allele origin: germline.
Comment: Not observed at significant frequency in large population cohorts (gnomAD); In silico analysis suggests that this missense variant does not alter protein structure/function; Has not been previously published as pathogenic or benign to our knowledge

Ambry Genetics
Classification: Uncertain significance for Inborn genetic diseases. Last evaluated: 2025-08-07. Review status: criteria provided, single submitter. Criteria: Ambry Variant Classification Scheme 2023. Collection method: clinical testing. Allele origin: germline.